The following is an entry in ClinVar:

NM_001845.6(COL4A1):c.4022-3C>T

Gene: COL4A1 (collagen type IV alpha 1 chain; minus strand). Cytogenetic location: 13q34.
Variant type: single nucleotide variant.
Coding change: c.4022-3C>T on transcript NM_001845.6 (MANE Select); 3 bases into the intron before coding-DNA position 4022, C replaced by T.
Molecular consequence: intron variant.
Genome position (GRCh38, 1-based): chr13:110,164,993, G>A on the plus strand (C>T on the coding strand, the complement: COL4A1 is on the minus strand). VCF-style: chr13-110164993-G-A. GRCh37 (hg19) VCF-style: chr13-110817340-G-A.
Identifiers: ClinVar variation 2954794 (VCV002954794.3), dbSNP rs755797689, ClinGen allele CA7047041.

ClinVar aggregate classification (germline): Uncertain significance (1 of 4 stars; one submission).

Allele frequency attached by ClinVar (database versions not stated): gnomAD 0.00001; gnomAD exomes 0.00001; ExAC 0.00004.
gnomAD v4.1: 10 of 1,603,422 alleles (0.00062%); highest among the groups gnomAD compares: South Asian, 0.009%; no homozygotes.

Submission:

Labcorp Genetics (formerly Invitae), Labcorp
Classification: Uncertain significance. Last evaluated: 2024-12-15. Review status: criteria provided, single submitter. Criteria: Invitae Variant Classification Sherloc (09022015). Collection method: clinical testing. Allele origin: germline.
Comment: This sequence change falls in intron 45 of the COL4A1 gene. It does not directly change the encoded amino acid sequence of the COL4A1 protein. It affects a nucleotide within the consensus splice site. This variant is present in population databases (rs755797689, gnomAD 0.01%). This variant has not been reported in the literature in individuals affected with COL4A1-related conditions. ClinVar contains an entry for this variant (Variation ID: 2954794). Variants that disrupt the consensus splice site are a relatively common cause of aberrant splicing (PMID: 17576681, 9536098). Algorithms developed to predict the effect of sequence changes on RNA splicing suggest that this variant is not likely to affect RNA splicing. In summary, the available evidence is currently insufficient to determine the role of this variant in disease. Therefore, it has been classified as a Variant of Uncertain Significance.

Literature cited by the submitters: PubMed 17576681; PubMed 9536098.